The following is an entry in ClinVar:

ClinVar aggregate classification (germline): Benign/Likely benign. Review status: criteria provided, multiple submitters, no conflicts (2 of 4 stars). 7 submissions from 7 submitters: Benign (1); Likely benign (5). 1 of the submissions does not count toward it. Last evaluated 2026-01-18.

Conditions:
Epidermolysis bullosa simplex, Ogna type (EBS5A). Also called: Pidermolysis bullosa simplex 5A, Ogna type; EPIDERMOLYSIS BULLOSA SIMPLEX 5A, OGNA TYPE. Identifiers: Orphanet 79401, MedGen C0432317, MONDO:0007555, OMIM 131950.
Epidermolysis bullosa simplex with nail dystrophy (EBS5D). Identifiers: MedGen C4225309, MONDO:0014661, OMIM 616487.
Autosomal recessive limb-girdle muscular dystrophy type 2Q (LGMDR17). Also called: MUSCULAR DYSTROPHY, LIMB-GIRDLE, AUTOSOMAL RECESSIVE 17. Identifiers: Orphanet 254361, MedGen C3150989, MONDO:0013390, OMIM 613723.
Epidermolysis bullosa simplex 5C, with pyloric atresia (EBS5C). Also called: Epidermolysis bullosa simplex with pyloric atresia; PLEC1-Related Epidermolysis Bullosa with Pyloric Atresia; PLEC-Related Epidermolysis Bullosa with Pyloric Atresia. Identifiers: Orphanet 158684, MedGen C2677349, MONDO:0012807, OMIM 612138.
Epidermolysis bullosa simplex 5B, with muscular dystrophy (EBS5B). Also called: Epidermolysis bullosa simplex with muscular dystrophy; EPIDERMOLYSIS BULLOSA SIMPLEX AND LIMB-GIRDLE MUSCULAR DYSTROPHY. Identifiers: Orphanet 257, MedGen C2931072, MONDO:0009181, OMIM 226670.
PLEC-related disorder. Also called: PLEC-related disorders; PLEC-related condition.

Allele frequency attached by ClinVar (database versions not stated): ESP Exome Variant Server 0.00026; gnomAD exomes 0.00080; ExAC 0.00096; gnomAD 0.00161 and 0.00168; TOPMed 0.00178; 1000 Genomes Project 30x 0.00203; 1000 Genomes Project 0.00220.
gnomAD v4.1: 664 of 1,573,338 alleles (0.042%); highest among the groups gnomAD compares: African/African-American, 0.52%; 3 homozygotes.

Submissions (7):

Labcorp Genetics (formerly Invitae), Labcorp
Classification: Benign for Autosomal recessive limb-girdle muscular dystrophy type 2Q; Epidermolysis bullosa simplex, Ogna type; Epidermolysis bullosa simplex with nail dystrophy; Epidermolysis bullosa simplex 5C, with pyloric atresia; Epidermolysis bullosa simplex 5B, with muscular dystrophy. Last evaluated: 2026-01-18. Review status: criteria provided, single submitter. Criteria: Invitae Variant Classification Sherloc (09022015). Collection method: clinical testing. Allele origin: germline.

Blueprint Genetics
Classification: Likely benign. Last evaluated: 2024-10-17. Review status: criteria provided, single submitter. Criteria: ACMG Guidelines, 2015. Collection method: clinical testing. Allele origin: germline.

CeGaT Center for Human Genetics Tuebingen
Classification: Likely benign. Last evaluated: 2023-04-01. Review status: criteria provided, single submitter. Criteria: CeGaT Center For Human Genetics Tuebingen Variant Classification Criteria Version 2. Collection method: clinical testing. Allele origin: germline. Affected: yes. Observed: 3 variant alleles.
Comment: PLEC: BP4, BP7, BS2

GeneDx
Classification: Likely benign. Last evaluated: 2020-10-29. Review status: criteria provided, single submitter. Criteria: GeneDx Variant Classification Process June 2021. Collection method: clinical testing. Allele origin: germline. Affected: yes.

Eurofins Ntd Llc (ga)
Classification: Likely benign. Last evaluated: 2015-07-17. Review status: criteria provided, single submitter. Criteria: EGL Classification Definitions 2015. Collection method: clinical testing. Allele origin: germline. Observed: 1 variant allele, 1 heterozygote.

Breakthrough Genomics
Classification: Likely benign. Review status: criteria provided, single submitter. Criteria: ACMG Guidelines, 2015. Collection method: not provided. Allele origin: germline. Inheritance: Autosomal recessive inheritance. Affected: yes.

PreventionGenetics, part of Exact Sciences
Classification: Likely benign for PLEC-related condition. Last evaluated: 2019-06-17. Review status: no assertion criteria provided. Collection method: clinical testing. Allele origin: germline. Not counted in ClinVar's aggregate classification.
Comment: This variant is classified as likely benign based on ACMG/AMP sequence variant interpretation guidelines (Richards et al. 2015 PMID: 25741868, with internal and published modifications).

NM_201384.3(PLEC):c.5493G>A (p.Ala1831=)

Gene: PLEC (plectin; minus strand). Cytogenetic location: 8q24.3.
Variant type: single nucleotide variant.
Coding change: c.5493G>A on transcript NM_201384.3 (MANE Select); coding-DNA position 5493, G replaced by A.
Protein change: p.Ala1831=; no amino-acid change (alanine 1831 retained).
Molecular consequence: synonymous variant.
Genome position (GRCh38, 1-based): chr8:143,924,436, C>T on the plus strand (G>A on the coding strand, the complement: PLEC is on the minus strand). VCF-style: chr8-143924436-C-T. GRCh37 (hg19) VCF-style: chr8-144998604-C-T.
Other names: c.5574G>A, p.Ala1858= (NM_000445.5); c.5451G>A, p.Ala1817= (NM_201378.4); c.5427G>A, p.Ala1809= (NM_201379.3); c.5904G>A, p.Ala1968= (NM_201380.4); c.5397G>A, p.Ala1799= (NM_201381.3); c.5493G>A, p.Ala1831= (NM_201382.4); c.5505G>A, p.Ala1835= (NM_201383.3).
Identifiers: ClinVar variation 282097 (VCV000282097.58), dbSNP rs201218437, ClinGen allele CA4926345.
Genomic context (GRCh38, chr8:143,924,436, plus strand): 5'-CTCCGTCTTGAGCCGCGTGGCCTCGCCGATGGCGGCCAGCTTCTCCGCAAGCACCCGCTC[C>T]GCCTCGGCCCGCTGCCGCGCCGCGTCTTCCTCGGCCAGCTGCCGCTGCCGCTTGGCCTCT-3'
Protein context (NP_958786.1, residues 1821-1841): EEDAARQRAE[Ala1831=]ERVLAEKLAA